The following is an entry in ClinVar:

NM_004004.6(GJB2):c.595T>C (p.Ser199Pro)

Gene: GJB2 (gap junction protein beta 2; minus strand). Cytogenetic location: 13q12.11.
Variant type: single nucleotide variant.
Coding change: c.595T>C on transcript NM_004004.6 (MANE Select); coding-DNA position 595, T replaced by C.
Protein change: p.Ser199Pro; replaces serine 199 with proline.
Molecular consequence: missense variant.
Genome position (GRCh38, 1-based): chr13:20,188,987, A>G on the plus strand (T>C on the coding strand, the complement: GJB2 is on the minus strand). VCF-style: chr13-20188987-A-G. GRCh37 (hg19) VCF-style: chr13-20763126-A-G.
Other names: short protein forms S199P.
Identifiers: ClinVar variation 2744457 (VCV002744457.3), dbSNP rs2500249364, ClinGen allele CA387460832.

ClinVar aggregate classification (germline): Likely pathogenic (1 of 4 stars; one submission).

Allele frequency attached by ClinVar (database versions not stated): gnomAD exomes below 0.00001.

Submission:

Labcorp Genetics (formerly Invitae), Labcorp
Classification: Likely pathogenic. Last evaluated: 2023-05-28. Review status: criteria provided, single submitter. Criteria: Invitae Variant Classification Sherloc (09022015). Collection method: clinical testing. Allele origin: germline.
Comment: In summary, the currently available evidence indicates that the variant is pathogenic, but additional data are needed to prove that conclusively. Therefore, this variant has been classified as Likely Pathogenic. This variant disrupts the p.Ser199 amino acid residue in GJB2. Other variant(s) that disrupt this residue have been determined to be pathogenic (PMID: 15365987, 19027181, 20863150, 23967136). This suggests that this residue is clinically significant, and that variants that disrupt this residue are likely to be disease-causing. Advanced modeling of protein sequence and biophysical properties (such as structural, functional, and spatial information, amino acid conservation, physicochemical variation, residue mobility, and thermodynamic stability) performed at Invitae indicates that this missense variant is expected to disrupt GJB2 protein function. This variant has not been reported in the literature in individuals affected with GJB2-related conditions. This variant is not present in population databases (gnomAD no frequency). This sequence change replaces serine, which is neutral and polar, with proline, which is neutral and non-polar, at codon 199 of the GJB2 protein (p.Ser199Pro).

Literature cited by the submitters: PubMed 15365987; PubMed 19027181; PubMed 20863150; PubMed 23967136.